The following is an entry in ClinVar:

NM_177924.5(ASAH1):c.265C>G (p.Pro89Ala)

Gene: ASAH1 (N-acylsphingosine amidohydrolase 1; minus strand). Cytogenetic location: 8p22.
Variant type: single nucleotide variant.
Coding change: c.265C>G on transcript NM_177924.5 (MANE Select); coding-DNA position 265, C replaced by G.
Protein change: p.Pro89Ala; replaces proline 89 with alanine.
Molecular consequence: missense variant. On other transcripts: intron variant (1).
Genome position (GRCh38, 1-based): chr8:18,069,830, G>C on the plus strand (C>G on the coding strand, the complement: ASAH1 is on the minus strand). VCF-style: chr8-18069830-G-C. GRCh37 (hg19) VCF-style: chr8-17927339-G-C.
Other names: c.70C>G, p.Pro24Ala (NM_001363743.2); c.313C>G, p.Pro105Ala (NM_004315.6); c.285+1470C>G (NM_001127505.3); short protein forms P105A, P24A, P89A.
Identifiers: ClinVar variation 2007854 (VCV002007854.4), dbSNP rs2117056336, ClinGen allele CA370433164.

ClinVar aggregate classification (germline): Uncertain significance (1 of 4 stars; one submission).

Submission:

Labcorp Genetics (formerly Invitae), Labcorp
Classification: Uncertain significance. Last evaluated: 2024-02-24. Review status: criteria provided, single submitter. Criteria: Invitae Variant Classification Sherloc (09022015). Collection method: clinical testing. Allele origin: germline.
Comment: This sequence change replaces proline, which is neutral and non-polar, with alanine, which is neutral and non-polar, at codon 89 of the ASAH1 protein (p.Pro89Ala). This variant is not present in population databases (gnomAD no frequency). This variant has not been reported in the literature in individuals affected with ASAH1-related conditions. ClinVar contains an entry for this variant (Variation ID: 2007854). Advanced modeling of protein sequence and biophysical properties (such as structural, functional, and spatial information, amino acid conservation, physicochemical variation, residue mobility, and thermodynamic stability) performed at Invitae indicates that this missense variant is not expected to disrupt ASAH1 protein function with a negative predictive value of 80%. In summary, the available evidence is currently insufficient to determine the role of this variant in disease. Therefore, it has been classified as a Variant of Uncertain Significance.